The following is an entry in ClinVar:

NM_000398.7(CYB5R3):c.21+6C>T

Genes: CYB5R3 (cytochrome b5 reductase 3; minus strand), LOC130067609 (ATAC-STARR-seq lymphoblastoid silent region 13835; plus strand). Cytogenetic location: 22q13.2.
Variant type: single nucleotide variant.
Coding change: c.21+6C>T on transcript NM_000398.7 (MANE Select); 6 bases into the intron after coding-DNA position 21, C replaced by T.
Molecular consequence: intron variant.
Genome position (GRCh38, 1-based): chr22:42,649,289, G>A on the plus strand (C>T on the coding strand, the complement: CYB5R3 is on the minus strand). VCF-style: chr22-42649289-G-A. GRCh37 (hg19) VCF-style: chr22-43045295-G-A.
Other names: p.?; c.21+6C>T (NM_000398.6).
Identifiers: ClinVar variation 994069 (VCV000994069.24), dbSNP rs8190370, ClinGen allele CA10270087.

ClinVar aggregate classification (germline): Benign. Review status: criteria provided, multiple submitters, no conflicts (2 of 4 stars). 5 submissions from 5 submitters: Benign (4). 1 of the submissions does not count toward it. Last evaluated 2026-02-03.

Conditions:
CYB5R3-related disorder. Also called: CYB5R3-related condition.

Allele frequency attached by ClinVar (database versions not stated): gnomAD exomes 0.00154; ExAC 0.00769; 1000 Genomes Project 0.01597; gnomAD 0.01603 and 0.01715; TOPMed 0.01711; 1000 Genomes Project 30x 0.01733.
gnomAD v4.1: 3,435 of 1,003,646 alleles (0.34%); highest among the groups gnomAD compares: African/African-American, 5.5%; 88 homozygotes.

Submissions (5):

Labcorp Genetics (formerly Invitae), Labcorp
Classification: Benign. Last evaluated: 2026-02-03. Review status: criteria provided, single submitter. Criteria: Invitae Variant Classification Sherloc (09022015). Collection method: clinical testing. Allele origin: germline.

ARUP Laboratories, Molecular Genetics and Genomics, ARUP Laboratories
Classification: Benign. Last evaluated: 2025-07-25. Review status: criteria provided, single submitter. Criteria: ARUP Molecular Germline Variant Investigation Process 2024. Collection method: clinical testing. Allele origin: germline.

Mayo Clinic Laboratories, Mayo Clinic
Classification: Benign. Last evaluated: 2024-07-11. Review status: criteria provided, single submitter. Criteria: ACMG Guidelines, 2015. Collection method: clinical testing. Allele origin: germline. Observed: 4 variant alleles.

Breakthrough Genomics
Classification: Benign. Review status: criteria provided, single submitter. Criteria: ACMG Guidelines, 2015. Collection method: not provided. Allele origin: germline. Inheritance: Autosomal recessive inheritance. Affected: yes.

PreventionGenetics, part of Exact Sciences
Classification: Benign for CYB5R3-related condition. Last evaluated: 2024-05-06. Review status: no assertion criteria provided. Collection method: clinical testing. Allele origin: germline. Not counted in ClinVar's aggregate classification.
Comment: This variant is classified as benign based on ACMG/AMP sequence variant interpretation guidelines (Richards et al. 2015 PMID: 25741868, with internal and published modifications).